The following is an entry in ClinVar:

NM_004364.5(CEBPA):c.627G>T (p.Gln209His)

Gene: CEBPA (CCAAT enhancer binding protein alpha; minus strand). Cytogenetic location: 19q13.11.
Variant type: single nucleotide variant.
Coding change: c.627G>T on transcript NM_004364.5 (MANE Select); coding-DNA position 627, G replaced by T.
Protein change: p.Gln209His; replaces glutamine 209 with histidine.
Molecular consequence: missense variant.
Genome position (GRCh38, 1-based): chr19:33,301,788, C>A on the plus strand (G>T on the coding strand, the complement: CEBPA is on the minus strand). VCF-style: chr19-33301788-C-A. GRCh37 (hg19) VCF-style: chr19-33792694-C-A.
Other names: c.270G>T, p.Gln90His (NM_001285829.2); c.732G>T, p.Gln244His (NM_001287424.2); c.585G>T, p.Gln195His (NM_001287435.2); short protein forms Q195H, Q209H, Q244H, Q90H.
Identifiers: ClinVar variation 4824865 (VCV004824865.1).

ClinVar aggregate classification (germline): Uncertain significance (1 of 4 stars; one submission).

Conditions:
Inborn genetic diseases. Identifiers: MedGen C0950123, MeSH D030342.

Submission:

Ambry Genetics
Classification: Uncertain significance for Inborn genetic diseases. Last evaluated: 2026-02-19. Review status: criteria provided, single submitter. Criteria: Ambry Variant Classification Scheme 2023. Collection method: clinical testing. Allele origin: germline.
Comment: The p.Q209H variant (also known as c.627G>T), located in coding exon 1 of the CEBPA gene, results from a G to T substitution at nucleotide position 627. The glutamine at codon 209 is replaced by histidine, an amino acid with highly similar properties. This amino acid position is conserved. In addition, this alteration is predicted to be tolerated by in silico analysis. Based on the available evidence, the clinical significance of this variant remains unclear.